The following continues an entry in ClinVar:

NM_000070.3(CAPN3):c.2306G>A (p.Arg769Gln)

Gene: CAPN3. ClinVar aggregate classification (germline): Pathogenic. Pathogenic (1).

Submissions 9 to 17 of 17:

Kariminejad - Najmabadi Pathology & Genetics Center
Classification: Pathogenic for Autosomal recessive limb-girdle muscular dystrophy type 2A. Last evaluated: 2024-06-08. Review status: criteria provided, single submitter. Criteria: ACMG Guidelines, 2015. Collection method: clinical testing. Allele origin: germline. Inheritance: Autosomal recessive inheritance. Affected: yes. Not counted in ClinVar's aggregate classification.
Comment: PM5,PP5(Moderate),PM2,PP3(Moderate),PP2,PM1,PS3(Supporting)

Fulgent Genetics
Classification: Pathogenic for Autosomal recessive limb-girdle muscular dystrophy type 2A; Muscular dystrophy, limb-girdle, autosomal dominant 4. Last evaluated: 2024-06-05. Review status: criteria provided, single submitter. Criteria: ACMG Guidelines, 2015. Collection method: clinical testing. Allele origin: germline. Not counted in ClinVar's aggregate classification.

Mayo Clinic Laboratories, Mayo Clinic
Classification: Pathogenic. Last evaluated: 2024-04-08. Review status: criteria provided, single submitter. Criteria: ACMG Guidelines, 2015. Collection method: clinical testing. Allele origin: germline. Observed: 1 variant allele. Not counted in ClinVar's aggregate classification.
Comment: PP1, PP3, PM2, PM3, PS4

Baylor Genetics
Classification: Pathogenic for Muscular dystrophy, limb-girdle, autosomal dominant 4. Last evaluated: 2024-03-15. Review status: criteria provided, single submitter. Criteria: ACMG Guidelines, 2015. Collection method: clinical testing. Allele origin: unknown. Not counted in ClinVar's aggregate classification.

Eurofins Ntd Llc (ga)
Classification: Pathogenic. Last evaluated: 2018-09-14. Review status: criteria provided, single submitter. Criteria: EGL ClinVar v180209 classification definitions. Collection method: clinical testing. Allele origin: germline. Observed: 46 variant alleles, 5 heterozygotes, 41 homozygotes. Not counted in ClinVar's aggregate classification.

Athena Diagnostics
Classification: Pathogenic. Last evaluated: 2018-03-22. Review status: criteria provided, single submitter. Criteria: Athena Diagnostics Criteria. Collection method: clinical testing. Allele origin: germline. Not counted in ClinVar's aggregate classification.

Counsyl
Classification: Pathogenic for Autosomal recessive limb-girdle muscular dystrophy type 2A. Last evaluated: 2017-04-21. Review status: no assertion criteria provided. Collection method: clinical testing. Allele origin: unknown. Not counted in ClinVar's aggregate classification.

OMIM
Classification: Pathogenic for MUSCULAR DYSTROPHY, LIMB-GIRDLE, AUTOSOMAL RECESSIVE 1. Last evaluated: 1997-07-01. Review status: no assertion criteria provided. Collection method: literature only. Allele origin: germline. Not counted in ClinVar's aggregate classification.

GeneReviews
No classification provided. Condition: Autosomal recessive limb-girdle muscular dystrophy type 2A. Review status: no classification provided. Collection method: literature only. Allele origin: germline. Not counted in ClinVar's aggregate classification.

Literature cited by the submitters: PubMed 7720071 (cited by 9 submitters); PubMed 7762565 (cited by Labcorp Genetics (formerly Invitae), Labcorp); PubMed 7795603 (cited by Labcorp Genetics (formerly Invitae), Labcorp); PubMed 9246005 (cited by 5 submitters); PubMed 12461690 (cited by 5 submitters); PubMed 14645990 (cited by Labcorp Genetics (formerly Invitae), Labcorp); PubMed 9642272 (cited by 4 submitters); PubMed 10330340 (cited by Natera, Inc.); PubMed 16650086 (cited by 3 submitters); PubMed 40237364 (cited by Natera, Inc.); PubMed 19015733 (cited by 3 submitters); PubMed 23553538 (cited by Dasa and Athena Diagnostics); PubMed 35169782 (cited by Dasa and Mayo Clinic Laboratories, Mayo Clinic); PubMed 28300015 (cited by Mayo Clinic Laboratories, Mayo Clinic and Athena Diagnostics); PubMed 30564623 (cited by Mayo Clinic Laboratories, Mayo Clinic); PubMed 31028937 (cited by Mayo Clinic Laboratories, Mayo Clinic); PubMed 31980526 (cited by Mayo Clinic Laboratories, Mayo Clinic); PubMed 18258189 (cited by Athena Diagnostics).